The following is an entry in ClinVar:

ClinVar aggregate classification (germline): Uncertain significance (1 of 4 stars; one submission).

Conditions:
Hereditary hyperekplexia. Identifiers: Orphanet 3197, MedGen C4084968, MONDO:0021022.

Allele frequency attached by ClinVar (database versions not stated): gnomAD exomes below 0.00001 and 0.00001; ExAC 0.00001.
gnomAD v4.1: 20 of 1,600,612 alleles (0.0012%); highest among the groups gnomAD compares: Non-Finnish European, 0.0015%; no homozygotes.

Submission:

Labcorp Genetics (formerly Invitae), Labcorp
Classification: Uncertain significance for Hereditary hyperekplexia. Last evaluated: 2021-07-28. Review status: criteria provided, single submitter. Criteria: Invitae Variant Classification Sherloc (09022015). Collection method: clinical testing. Allele origin: germline.
Comment: This variant is present in population databases (rs778643926, ExAC 0.001%). In summary, the available evidence is currently insufficient to determine the role of this variant in disease. Therefore, it has been classified as a Variant of Uncertain Significance. Advanced modeling of protein sequence and biophysical properties (such as structural, functional, and spatial information, amino acid conservation, physicochemical variation, residue mobility, and thermodynamic stability) performed at Invitae indicates that this missense variant is not expected to disrupt GLRA1 protein function. This variant has not been reported in the literature in individuals with GLRA1-related conditions. This sequence change replaces tyrosine with histidine at codon 2 of the GLRA1 protein (p.Tyr2His). The tyrosine residue is weakly conserved and there is a moderate physicochemical difference between tyrosine and histidine.

NM_000171.4(GLRA1):c.4T>C (p.Tyr2His)

Gene: GLRA1 (glycine receptor alpha 1; minus strand). Cytogenetic location: 5q33.1.
Variant type: single nucleotide variant.
Coding change: c.4T>C on transcript NM_000171.4 (MANE Select); coding-DNA position 4, T replaced by C.
Protein change: p.Tyr2His; replaces tyrosine 2 with histidine.
Molecular consequence: missense variant. On other transcripts: 5 prime UTR variant (1).
Genome position (GRCh38, 1-based): chr5:151,924,546, A>G on the plus strand (T>C on the coding strand, the complement: GLRA1 is on the minus strand). VCF-style: chr5-151924546-A-G. GRCh37 (hg19) VCF-style: chr5-151304107-A-G.
Other names: c.4T>C, p.Tyr2His (NM_001146040.2); c.-118T>C (NM_001292000.2); short protein forms Y2H.
Identifiers: ClinVar variation 1045865 (VCV001045865.8), dbSNP rs778643926, ClinGen allele CA3523819.